The following is an entry in ClinVar:

NM_024598.4(USB1):c.145G>T (p.Val49Leu)

Gene: USB1 (U6 snRNA biogenesis phosphodiesterase 1; plus strand). Cytogenetic location: 16q21.
Variant type: single nucleotide variant.
Coding change: c.145G>T on transcript NM_024598.4 (MANE Select); coding-DNA position 145, G replaced by T.
Protein change: p.Val49Leu; replaces valine 49 with leucine.
Molecular consequence: missense variant. On other transcripts: 5 prime UTR variant (1).
Genome position (GRCh38, 1-based): chr16:58,002,525, G>T. VCF-style: chr16-58002525-G-T. GRCh37 (hg19) VCF-style: chr16-58036429-G-T.
Other names: c.145G>T, p.Val49Leu (NM_001195302.2, NM_001204911.2, NM_001330569.2); c.-9G>T (NM_001330568.2); short protein forms V49L.
Identifiers: ClinVar variation 1393494 (VCV001393494.6), dbSNP rs1337464648, ClinGen allele CA396085459.
Genomic context (GRCh38, chr16:58,002,525, plus strand): 5'-TTTTTCTTTTGCAGTGGCCAGAGCCCCCTTCCCAGGCAGAGATTTCCAGTACCTGACAGT[G>T]TGCTGAACATGTTCCCGGGCACCGAGGAGGGGCCTGAAGATGACAGCACAAAACACGGGG-3'
Protein context (NP_078874.2, residues 39-59): PRQRFPVPDS[Val49Leu]LNMFPGTEEG

ClinVar aggregate classification (germline): Uncertain significance (1 of 4 stars; one submission).

Allele frequency attached by ClinVar (database versions not stated): gnomAD exomes below 0.00001.
gnomAD v4.1: 1 of 1,614,082 alleles (0.000062%); highest among the groups gnomAD compares: Non-Finnish European, 0.000085%; no homozygotes.

Submission:

Labcorp Genetics (formerly Invitae), Labcorp
Classification: Uncertain significance. Last evaluated: 2021-08-09. Review status: criteria provided, single submitter. Criteria: Invitae Variant Classification Sherloc (09022015). Collection method: clinical testing. Allele origin: germline.
Comment: In summary, the available evidence is currently insufficient to determine the role of this variant in disease. Therefore, it has been classified as a Variant of Uncertain Significance. Algorithms developed to predict the effect of missense changes on protein structure and function are either unavailable or do not agree on the potential impact of this missense change (SIFT: "Not Available"; PolyPhen-2: "Possibly Damaging"; Align-GVGD: "Not Available"). This variant has not been reported in the literature in individuals affected with USB1-related conditions. This variant is not present in population databases (ExAC no frequency). This sequence change replaces valine with leucine at codon 49 of the USB1 protein (p.Val49Leu). The valine residue is highly conserved and there is a small physicochemical difference between valine and leucine.